The following is an entry in ClinVar:

ClinVar aggregate classification (germline): Benign/Likely benign. Review status: criteria provided, multiple submitters, no conflicts (2 of 4 stars). 7 submissions from 6 submitters: Benign (4); Likely benign (2). 1 of the submissions does not count toward it. Last evaluated 2026-05-01.

Conditions:
ACTG1-related disorder. Also called: ACTG1-related condition; ACTG1-related disorders.
Baraitser-winter syndrome 2. Identifiers: Orphanet 2995, MedGen C3281235, MONDO:0013812, OMIM 614583.
Autosomal dominant nonsyndromic hearing loss 20. Identifiers: Orphanet 90635, MedGen C1858172, MONDO:0011480, OMIM 604717.

Allele frequency attached by ClinVar (database versions not stated): gnomAD 0.00006; ESP Exome Variant Server 0.00008; gnomAD exomes 0.00010 and 0.00033; TOPMed 0.00014; 1000 Genomes Project 30x 0.00016; 1000 Genomes Project 0.00020; ExAC 0.00032.
gnomAD v4.1: 167 of 1,613,786 alleles (0.01%); highest among the groups gnomAD compares: Admixed American, 0.14%; no homozygotes.

Submissions (8):

CeGaT Center for Human Genetics Tuebingen
Classification: Likely benign. Last evaluated: 2026-05-01. Review status: criteria provided, single submitter. Criteria: CeGaT Center For Human Genetics Tuebingen Variant Classification Criteria Version 2. Collection method: clinical testing. Allele origin: germline. Affected: yes. Observed: 4 variant alleles.
Comment: ACTG1: BP4, BP7

Labcorp Genetics (formerly Invitae), Labcorp
Classification: Benign for Baraitser-winter syndrome 2; Autosomal dominant nonsyndromic hearing loss 20. Last evaluated: 2025-12-27. Review status: criteria provided, single submitter. Criteria: Invitae Variant Classification Sherloc (09022015). Collection method: clinical testing. Allele origin: germline.

Blueprint Genetics
Classification: Likely benign. Last evaluated: 2024-11-21. Review status: criteria provided, single submitter. Criteria: ACMG Guidelines, 2015. Collection method: clinical testing. Allele origin: germline.

Genome-Nilou Lab
Classification: Benign for Baraitser-winter syndrome 2. Last evaluated: 2021-12-05. Review status: criteria provided, single submitter. Criteria: ACMG Guidelines, 2015. Collection method: clinical testing. Allele origin: germline. Affected: no.

Genome-Nilou Lab
Classification: Benign for Autosomal dominant nonsyndromic hearing loss 20. Last evaluated: 2021-12-05. Review status: criteria provided, single submitter. Criteria: ACMG Guidelines, 2015. Collection method: clinical testing. Allele origin: germline. Affected: no.

GeneDx
Classification: Benign. Last evaluated: 2017-01-25. Review status: criteria provided, single submitter. Criteria: GeneDx Variant Classification (06012015). Collection method: clinical testing. Allele origin: germline. Affected: yes.
Comment: This variant is considered likely benign or benign based on one or more of the following criteria: it is a conservative change, it occurs at a poorly conserved position in the protein, it is predicted to be benign by multiple in silico algorithms, and/or has population frequency not consistent with disease.

PreventionGenetics, part of Exact Sciences
Classification: Likely benign for ACTG1-related condition. Last evaluated: 2019-12-30. Review status: no assertion criteria provided. Collection method: clinical testing. Allele origin: germline. Not counted in ClinVar's aggregate classification.
Comment: This variant is classified as likely benign based on ACMG/AMP sequence variant interpretation guidelines (Richards et al. 2015 PMID: 25741868, with internal and published modifications).

Dr. Peter K. Rogan Lab, Western University
No classification provided (evidence only). Condition: Clear cell carcinoma of kidney. Review status: no classification provided. Collection method: in vitro. Allele origin: not applicable. Functional consequence: retained intron. Not counted in ClinVar's aggregate classification.

NM_001614.5(ACTG1):c.165C>T (p.Gly55=)

Gene: ACTG1 (actin gamma 1; minus strand). Cytogenetic location: 17q25.3.
Variant type: single nucleotide variant.
Coding change: c.165C>T on transcript NM_001614.5 (MANE Select); coding-DNA position 165, C replaced by T.
Protein change: p.Gly55=; no amino-acid change (glycine 55 retained).
Molecular consequence: synonymous variant. On other transcripts: non-coding transcript variant (1).
Genome position (GRCh38, 1-based): chr17:81,512,101, G>A on the plus strand (C>T on the coding strand, the complement: ACTG1 is on the minus strand). VCF-style: chr17-81512101-G-A. GRCh37 (hg19) VCF-style: chr17-79479127-G-A.
Other names: c.165C>T, p.Gly55= (NM_001199954.3).
Identifiers: ClinVar variation 516222 (VCV000516222.45), dbSNP rs146402466, ClinGen allele CA8836334.